The following is an entry in ClinVar:

NM_024876.4(COQ8B):c.1494C>A (p.Ala498=)

Gene: COQ8B (coenzyme Q8B; minus strand). Cytogenetic location: 19q13.2.
Variant type: single nucleotide variant.
Coding change: c.1494C>A on transcript NM_024876.4 (MANE Select); coding-DNA position 1494, C replaced by A.
Protein change: p.Ala498=; no amino-acid change (alanine 498 retained).
Molecular consequence: synonymous variant.
Genome position (GRCh38, 1-based): chr19:40,692,176, G>T on the plus strand (C>A on the coding strand, the complement: COQ8B is on the minus strand). VCF-style: chr19-40692176-G-T. GRCh37 (hg19) VCF-style: chr19-41198081-G-T.
Other names: c.1371C>A, p.Ala457= (NM_001142555.3).
Identifiers: ClinVar variation 3771249 (VCV003771249.13).
Genomic context (GRCh38, chr19:40,692,176, plus strand): 5'-GCGGTGGTAGGTGTCCTGGAAGAGGTCCCTGCAGGCGATGTGGGCTCGGAGGTGGGCACA[G>T]GCCAGGAAAGCCCCTGCCAGCTTGCGGTGCAGGGCATAGGTCTCCTCGGGTGGGGGACAC-3'
Protein context (NP_079152.3, residues 488-508): LHRKLAGAFL[Ala498=]CAHLRAHIAC

ClinVar aggregate classification (germline): Likely benign (1 of 4 stars; one submission).

gnomAD v4.1: 93 of 1,595,846 alleles (0.0058%); highest among the groups gnomAD compares: Middle Eastern, 0.083%; no homozygotes.

Submission:

CeGaT Center for Human Genetics Tuebingen
Classification: Likely benign. Last evaluated: 2025-02-01. Review status: criteria provided, single submitter. Criteria: CeGaT Center For Human Genetics Tuebingen Variant Classification Criteria Version 2. Collection method: clinical testing. Allele origin: germline. Affected: yes. Observed: 2 variant alleles.
Comment: COQ8B: BP4, BP7